The following is an entry in ClinVar:

ClinVar aggregate classification (germline): Likely benign. Review status: criteria provided, multiple submitters, no conflicts (2 of 4 stars). 4 submissions from 4 submitters: Likely benign (3). 1 of the submissions does not count toward it. Last evaluated 2024-09-01.

Allele frequency attached by ClinVar (database versions not stated): ESP Exome Variant Server 0.00108; TOPMed 0.00115; 1000 Genomes Project 0.00140; 1000 Genomes Project 30x 0.00156.
gnomAD v4.1: 2,499 of 1,614,204 alleles (0.15%); highest among the groups gnomAD compares: Middle Eastern, 0.23%; 3 homozygotes.

Submissions (4):

CeGaT Center for Human Genetics Tuebingen
Classification: Likely benign. Last evaluated: 2024-09-01. Review status: criteria provided, single submitter. Criteria: CeGaT Center For Human Genetics Tuebingen Variant Classification Criteria Version 2. Collection method: clinical testing. Allele origin: germline. Affected: yes. Observed: 2 variant alleles.
Comment: XIRP1: BP4

Labcorp Genetics (formerly Invitae), Labcorp
Classification: Likely benign. Last evaluated: 2018-02-25. Review status: criteria provided, single submitter. Criteria: Invitae Variant Classification Sherloc (09022015). Collection method: clinical testing. Allele origin: germline.

Breakthrough Genomics
Classification: Likely benign. Review status: criteria provided, single submitter. Criteria: ACMG Guidelines, 2015. Collection method: not provided. Allele origin: germline. Inheritance: Unknown mechanism. Affected: yes.

Genomic Research Center, Shahid Beheshti University of Medical Sciences
No classification provided. Last evaluated: 2022-12-24. Review status: no classification provided. Collection method: not provided. Allele origin: somatic. Not counted in ClinVar's aggregate classification.
ClinVar note: Converted during submission from untested to not provided.

NM_194293.4(XIRP1):c.352G>A (p.Val118Met)

Gene: XIRP1 (xin actin binding repeat containing 1; minus strand). Cytogenetic location: 3p22.2.
Variant type: single nucleotide variant.
Coding change: c.352G>A on transcript NM_194293.4 (MANE Select); coding-DNA position 352, G replaced by A.
Protein change: p.Val118Met; replaces valine 118 with methionine.
Molecular consequence: missense variant. On other transcripts: intron variant (1).
Genome position (GRCh38, 1-based): chr3:39,189,094, C>T on the plus strand (G>A on the coding strand, the complement: XIRP1 is on the minus strand). VCF-style: chr3-39189094-C-T. GRCh37 (hg19) VCF-style: chr3-39230585-C-T.
Other names: c.352G>A, p.Val118Met (NM_001198621.4); c.-168+3352G>A (NM_001351377.2); short protein forms V118M.
Identifiers: ClinVar variation 156205 (VCV000156205.31), dbSNP rs115823205, ClinGen allele CA024182.